The following is an entry in ClinVar:

ClinVar aggregate classification (germline): Uncertain significance (1 of 4 stars; one submission).

Submission:

GeneDx
Classification: Uncertain significance. Last evaluated: 2024-12-13. Review status: criteria provided, single submitter. Criteria: GeneDx Variant Classification Process June 2021. Collection method: clinical testing. Allele origin: germline. Affected: yes.
Comment: Not observed at significant frequency in large population cohorts (gnomAD); In silico analysis indicates that this missense variant does not alter protein structure/function; Has not been previously published as pathogenic or benign to our knowledge

NM_001182.5(ALDH7A1):c.148G>A (p.Glu50Lys)

Gene: ALDH7A1 (aldehyde dehydrogenase 7 family member A1; minus strand). Cytogenetic location: 5q23.2.
Variant type: single nucleotide variant.
Coding change: c.148G>A on transcript NM_001182.5 (MANE Select); coding-DNA position 148, G replaced by A.
Protein change: p.Glu50Lys; replaces glutamic acid 50 with lysine.
Molecular consequence: missense variant.
Genome position (GRCh38, 1-based): chr5:126,595,051, C>T on the plus strand (G>A on the coding strand, the complement: ALDH7A1 is on the minus strand). VCF-style: chr5-126595051-C-T. GRCh37 (hg19) VCF-style: chr5-125930743-C-T.
Other names: c.64G>A, p.Glu22Lys (NM_001201377.2); c.148G>A, p.Glu50Lys (NM_001202404.2); short protein forms E22K, E50K.
Identifiers: ClinVar variation 3902916 (VCV003902916.1).